The following is an entry in ClinVar:

ClinVar aggregate classification (germline): Likely benign (1 of 4 stars; one submission).

Submission:

CeGaT Center for Human Genetics Tuebingen
Classification: Likely benign. Last evaluated: 2025-02-01. Review status: criteria provided, single submitter. Criteria: CeGaT Center For Human Genetics Tuebingen Variant Classification Criteria Version 2. Collection method: clinical testing. Allele origin: germline. Affected: yes. Observed: 1 variant allele.
Comment: TLR2: BP4

NM_001318789.2(TLR2):c.1430C>T (p.Pro477Leu)

Gene: TLR2 (toll like receptor 2; plus strand). Cytogenetic location: 4q31.3.
Variant type: single nucleotide variant.
Coding change: c.1430C>T on transcript NM_001318789.2 (MANE Select); coding-DNA position 1430, C replaced by T.
Protein change: p.Pro477Leu; replaces proline 477 with leucine.
Molecular consequence: missense variant.
Genome position (GRCh38, 1-based): chr4:153,704,337, C>T. VCF-style: chr4-153704337-C-T. GRCh37 (hg19) VCF-style: chr4-154625489-C-T.
Other names: c.1430C>T, p.Pro477Leu (NM_001318787.2, NM_001318790.2, NM_001318791.2 and 4 more transcripts); short protein forms P477L.
Identifiers: ClinVar variation 3770914 (VCV003770914.13).